The following is an entry in ClinVar:

ClinVar aggregate classification (germline): Uncertain significance. Review status: criteria provided, multiple submitters, no conflicts (2 of 4 stars). 2 submissions from 2 submitters: Uncertain significance (2). Last evaluated 2025-03-11.

Conditions:
ANLN-related disorder. Also called: ANLN-related condition.

Allele frequency attached by ClinVar (database versions not stated): gnomAD 0.00001; gnomAD exomes 0.00001; TOPMed 0.00001; ExAC 0.00002.
gnomAD v4.1: 11 of 1,607,096 alleles (0.00068%); highest among the groups gnomAD compares: East Asian, 0.0022%; no homozygotes.

Submissions (2):

PreventionGenetics, part of Exact Sciences
Classification: Uncertain significance for ANLN-related condition. Last evaluated: 2025-03-11. Review status: criteria provided, single submitter. Criteria: ACMG Guidelines, 2015. Collection method: clinical testing. Allele origin: germline.
Comment: The ANLN c.1480G>A variant is predicted to result in the amino acid substitution p.Glu494Lys. To our knowledge, this variant has not been reported in the literature. This variant is reported in 0.0036% of alleles in individuals of European (Non-Finnish) descent in gnomAD. At this time, the clinical significance of this variant is uncertain due to the absence of conclusive functional and genetic evidence.

Labcorp Genetics (formerly Invitae), Labcorp
Classification: Uncertain significance. Last evaluated: 2023-10-04. Review status: criteria provided, single submitter. Criteria: Invitae Variant Classification Sherloc (09022015). Collection method: clinical testing. Allele origin: germline.
Comment: This sequence change replaces glutamic acid, which is acidic and polar, with lysine, which is basic and polar, at codon 494 of the ANLN protein (p.Glu494Lys). The frequency data for this variant in the population databases is considered unreliable, as metrics indicate poor data quality at this position in the gnomAD database. This variant has not been reported in the literature in individuals affected with ANLN-related conditions. Advanced modeling of protein sequence and biophysical properties (such as structural, functional, and spatial information, amino acid conservation, physicochemical variation, residue mobility, and thermodynamic stability) performed at Invitae indicates that this missense variant is not expected to disrupt ANLN protein function. In summary, the available evidence is currently insufficient to determine the role of this variant in disease. Therefore, it has been classified as a Variant of Uncertain Significance.

NM_018685.5(ANLN):c.1480G>A (p.Glu494Lys)

Gene: ANLN (anillin, actin binding protein; plus strand). Cytogenetic location: 7p14.2.
Variant type: single nucleotide variant.
Coding change: c.1480G>A on transcript NM_018685.5 (MANE Select); coding-DNA position 1480, G replaced by A.
Protein change: p.Glu494Lys; replaces glutamic acid 494 with lysine.
Molecular consequence: missense variant.
Genome position (GRCh38, 1-based): chr7:36,415,842, G>A. VCF-style: chr7-36415842-G-A. GRCh37 (hg19) VCF-style: chr7-36455451-G-A.
Other names: c.1480G>A (NM_018685.4); c.1480G>A, p.Glu494Lys (NM_001284301.3, NM_001284302.3); short protein forms E494K.
Identifiers: ClinVar variation 2983888 (VCV002983888.4), dbSNP rs778648455, ClinGen allele CA4219614.
Genomic context (GRCh38, chr7:36,415,842, plus strand): 5'-CTCAAAAAACACCAAGGTGTTTCAAAAACTCAGTCACTTCCAGTAACAGAAAAGGTGACC[G>A]AAAACCAGATACCAGCCAAAAATTCTAGTACAGAACCTAAAGGTCAGTGTTTCCAGATTG-3'
Protein context (NP_061155.2, residues 484-504): QSLPVTEKVT[Glu494Lys]NQIPAKNSST